The following is an entry in ClinVar:

NM_001401501.2(MUC16):c.39197C>T (p.Thr13066Ile)

Gene: MUC16 (mucin 16, cell surface associated; minus strand). Cytogenetic location: 19p13.2.
Variant type: single nucleotide variant.
Coding change: c.39197C>T on transcript NM_001401501.2 (MANE Select); coding-DNA position 39197, C replaced by T.
Protein change: p.Thr13066Ile; replaces threonine 13066 with isoleucine.
Molecular consequence: missense variant.
Genome position (GRCh38, 1-based): chr19:8,899,974, G>A on the plus strand (C>T on the coding strand, the complement: MUC16 is on the minus strand). VCF-style: chr19-8899974-G-A. GRCh37 (hg19) VCF-style: chr19-9010650-G-A.
Other names: c.39623C>T, p.Thr13208Ile (NM_001414686.1); c.39077C>T, p.Thr13026Ile (NM_001414687.1); c.39011C>T, p.Thr13004Ile (NM_024690.2); short protein forms T13004I, T13026I, T13066I, T13208I.
Identifiers: ClinVar variation 3043596 (VCV003043596.2), dbSNP rs778952678, ClinGen allele CA9164266.

ClinVar aggregate classification (germline): Benign (0 of 4 stars; one submission).

Conditions:
MUC16-related disorder. Also called: MUC16-related condition.

Allele frequency attached by ClinVar (database versions not stated): ExAC 0.00002; gnomAD exomes 0.00002; 1000 Genomes Project 30x 0.00843.

Submission:

PreventionGenetics, part of Exact Sciences
Classification: Benign for MUC16-related condition. Last evaluated: 2019-04-25. Review status: no assertion criteria provided. Collection method: clinical testing. Allele origin: germline.
Comment: This variant is classified as benign based on ACMG/AMP sequence variant interpretation guidelines (Richards et al. 2015 PMID: 25741868, with internal and published modifications).